The following is an entry in ClinVar:

ClinVar aggregate classification (germline): Uncertain significance (1 of 4 stars; one submission).

Allele frequency attached by ClinVar (database versions not stated): gnomAD exomes below 0.00001; ExAC 0.00001.
gnomAD v4.1: 1 of 1,613,350 alleles (0.000062%); highest among the groups gnomAD compares: South Asian, 0.0011%; no homozygotes.

Submission:

Labcorp Genetics (formerly Invitae), Labcorp
Classification: Uncertain significance. Last evaluated: 2023-07-17. Review status: criteria provided, single submitter. Criteria: Invitae Variant Classification Sherloc (09022015). Collection method: clinical testing. Allele origin: germline.
Comment: In summary, the available evidence is currently insufficient to determine the role of this variant in disease. Therefore, it has been classified as a Variant of Uncertain Significance. An algorithm developed to predict the effect of missense changes on protein structure and function (PolyPhen-2) suggests that this variant is likely to be disruptive. ClinVar contains an entry for this variant (Variation ID: 1503144). This variant has not been reported in the literature in individuals affected with MYO18B-related conditions. This variant is present in population databases (rs754524498, gnomAD 0.003%). This sequence change replaces isoleucine, which is neutral and non-polar, with threonine, which is neutral and polar, at codon 1914 of the MYO18B protein (p.Ile1914Thr).

NM_032608.7(MYO18B):c.5741T>C (p.Ile1914Thr)

Gene: MYO18B (myosin XVIIIB; plus strand). Cytogenetic location: 22q12.1.
Variant type: single nucleotide variant.
Coding change: c.5741T>C on transcript NM_032608.7 (MANE Select); coding-DNA position 5741, T replaced by C.
Protein change: p.Ile1914Thr; replaces isoleucine 1914 with threonine.
Molecular consequence: missense variant.
Genome position (GRCh38, 1-based): chr22:25,947,821, T>C. VCF-style: chr22-25947821-T-C. GRCh37 (hg19) VCF-style: chr22-26343787-T-C.
Other names: c.5744T>C, p.Ile1915Thr (NM_001318245.2); short protein forms I1915T, I1914T.
Identifiers: ClinVar variation 1503144 (VCV001503144.9), dbSNP rs754524498, ClinGen allele CA10161259.
Genomic context (GRCh38, chr22:25,947,821, plus strand): 5'-AGCGCATCGATGAGGACCAGGATGACCTGAATGAGCTGATGCAGAAGCACAAGGACCTCA[T>C]TGCTCAGGTAGTGAATGAGACCTTGGTGGAAGAAGCTCAGGGACTTGGGGTGGGGTGAAT-3'
Protein context (NP_115997.5, residues 1904-1924): NELMQKHKDL[Ile1914Thr]AQSAADIGQI